The following is an entry in ClinVar:

NM_152424.4(AMER1):c.285C>T (p.Thr95=)

Gene: AMER1 (APC membrane recruitment protein 1; minus strand). Cytogenetic location: Xq11.2.
Variant type: single nucleotide variant.
Coding change: c.285C>T on transcript NM_152424.4 (MANE Select); coding-DNA position 285, C replaced by T.
Protein change: p.Thr95=; no amino-acid change (threonine 95 retained).
Molecular consequence: synonymous variant.
Genome position (GRCh38, 1-based): chrX:64,193,002, G>A on the plus strand (C>T on the coding strand, the complement: AMER1 is on the minus strand). VCF-style: chrX-64193002-G-A. GRCh37 (hg19) VCF-style: chrX-63412882-G-A.
Identifiers: ClinVar variation 2660746 (VCV002660746.27), dbSNP rs143210136, ClinGen allele CA10432510.

ClinVar aggregate classification (germline): Likely benign. Review status: criteria provided, multiple submitters, no conflicts (2 of 4 stars). 3 submissions from 3 submitters: Likely benign (3). Last evaluated 2025-11-28.

Allele frequency attached by ClinVar (database versions not stated): ESP Exome Variant Server 0.00019.
gnomAD v4.1: 12 of 1,209,916 alleles (0.00099%); highest among the groups gnomAD compares: Middle Eastern, 0.046%; no homozygotes.

Submissions (3):

Women's Health and Genetics/Laboratory Corporation of America, LabCorp
Classification: Likely benign. Last evaluated: 2025-11-28. Review status: criteria provided, single submitter. Criteria: LabCorp Variant Classification Summary - May 2015. Collection method: clinical testing. Allele origin: germline.

CeGaT Center for Human Genetics Tuebingen
Classification: Likely benign. Last evaluated: 2023-08-01. Review status: criteria provided, single submitter. Criteria: CeGaT Center For Human Genetics Tuebingen Variant Classification Criteria Version 2. Collection method: clinical testing. Allele origin: germline. Affected: yes. Observed: 1 variant allele.
Comment: AMER1: BP4, BP7, BS2

Labcorp Genetics (formerly Invitae), Labcorp
Classification: Likely benign. Last evaluated: 2022-11-13. Review status: criteria provided, single submitter. Criteria: Invitae Variant Classification Sherloc (09022015). Collection method: clinical testing. Allele origin: germline.